The following is an entry in ClinVar:

NM_182961.4(SYNE1):c.11420A>G (p.Glu3807Gly)

Gene: SYNE1 (spectrin repeat containing nuclear envelope protein 1; minus strand). Cytogenetic location: 6q25.2.
Variant type: single nucleotide variant.
Coding change: c.11420A>G on transcript NM_182961.4 (MANE Select); coding-DNA position 11420, A replaced by G.
Protein change: p.Glu3807Gly; replaces glutamic acid 3807 with glycine.
Molecular consequence: missense variant.
Genome position (GRCh38, 1-based): chr6:152,352,187, T>C on the plus strand (A>G on the coding strand, the complement: SYNE1 is on the minus strand). VCF-style: chr6-152352187-T-C. GRCh37 (hg19) VCF-style: chr6-152673322-T-C.
Other names: c.11375A>G (NM_033071.3); c.11375A>G, p.Glu3792Gly (NM_033071.5); short protein forms E3792G, E3807G.
Identifiers: ClinVar variation 1007218 (VCV001007218.11), dbSNP rs2096752876, ClinGen allele CA366120368.
Genomic context (GRCh38, chr6:152,352,187, plus strand): 5'-GCTTTGCATTTATCTGAGAATTCCTTTGCTAAATGAAGACCTTTTTCCAGCGTCATGTGT[T>C]CTTTCCGGACAGTGCTGGTCAGTTCCTTCAACTGCTCCATGTGATCATGAATCTCCTTTC-3'
Protein context (NP_892006.3, residues 3797-3817): LKELTSTVRK[Glu3807Gly]HMTLEKGLHL

ClinVar aggregate classification (germline): Uncertain significance. Review status: criteria provided, multiple submitters, no conflicts (2 of 4 stars). 2 submissions from 2 submitters: Uncertain significance (2). Last evaluated 2021-02-24.

Conditions:
Autosomal recessive ataxia, Beauce type. Also called: ATAXIA, RECESSIVE, OF BEAUCE; Spinocerebellar ataxia, autosomal recessive 8; SYNE1-Related Autosomal Recessive Cerebellar Ataxia; SYNE1 Deficiency. Identifiers: Orphanet 88644, MedGen C1853116, MONDO:0012549, OMIM 610743.
Emery-Dreifuss muscular dystrophy 4, autosomal dominant (EDMD4). Also called: EMERY-DREIFUSS MUSCULAR DYSTROPHY 4 WITH VARIABLE FEATURES. Identifiers: Orphanet 261, MedGen C2751807, MONDO:0013071, OMIM 612998.

Allele frequency attached by ClinVar (database versions not stated): gnomAD exomes below 0.00001.
gnomAD v4.1: 1 of 1,614,222 alleles (0.000062%); highest among the groups gnomAD compares: Non-Finnish European, 0.000085%; no homozygotes.

Submissions (2):

Labcorp Genetics (formerly Invitae), Labcorp
Classification: Uncertain significance for Emery-Dreifuss muscular dystrophy 4, autosomal dominant; Autosomal recessive ataxia, Beauce type. Last evaluated: 2021-02-24. Review status: criteria provided, single submitter. Criteria: Invitae Variant Classification Sherloc (09022015). Collection method: clinical testing. Allele origin: germline.
Comment: Algorithms developed to predict the effect of missense changes on protein structure and function (SIFT, PolyPhen-2, Align-GVGD) all suggest that this variant is likely to be disruptive, but these predictions have not been confirmed by published functional studies and their clinical significance is uncertain. This sequence change replaces glutamic acid with glycine at codon 3792 of the SYNE1 protein (p.Glu3792Gly). The glutamic acid residue is highly conserved and there is a moderate physicochemical difference between glutamic acid and glycine. This variant is not present in population databases (ExAC no frequency). This variant has not been reported in the literature in individuals with SYNE1-related conditions. In summary, the available evidence is currently insufficient to determine the role of this variant in disease. Therefore, it has been classified as a Variant of Uncertain Significance.

Revvity Omics, Revvity
Classification: Uncertain significance. Last evaluated: 2020-07-21. Review status: criteria provided, single submitter. Criteria: ACMG Guidelines, 2015. Collection method: clinical testing. Allele origin: germline.